The following is an entry in ClinVar:

NM_003482.4(KMT2D):c.2476C>T (p.Pro826Ser)

Gene: KMT2D (lysine methyltransferase 2D; minus strand). Cytogenetic location: 12q13.12.
Variant type: single nucleotide variant.
Coding change: c.2476C>T on transcript NM_003482.4 (MANE Select); coding-DNA position 2476, C replaced by T.
Protein change: p.Pro826Ser; replaces proline 826 with serine.
Molecular consequence: missense variant.
Genome position (GRCh38, 1-based): chr12:49,051,207, G>A on the plus strand (C>T on the coding strand, the complement: KMT2D is on the minus strand). VCF-style: chr12-49051207-G-A. GRCh37 (hg19) VCF-style: chr12-49444990-G-A.
Other names: short protein forms P826S.
Identifiers: ClinVar variation 3600856 (VCV003600856.1).

ClinVar aggregate classification (germline): Uncertain significance (1 of 4 stars; one submission).

gnomAD v4.1: 4 of 1,514,584 alleles (0.00026%); highest among the groups gnomAD compares: African/African-American, 0.0042%; no homozygotes.

Submission:

GeneDx
Classification: Uncertain significance. Last evaluated: 2024-07-23. Review status: criteria provided, single submitter. Criteria: GeneDx Variant Classification Process June 2021. Collection method: clinical testing. Allele origin: germline. Affected: yes.
Comment: In silico analysis indicates that this missense variant does not alter protein structure/function; Has not been previously published as pathogenic or benign to our knowledge